The following is an entry in ClinVar:

NM_199242.3(UNC13D):c.1039T>C (p.Phe347Leu)

Gene: UNC13D (unc-13 homolog D; minus strand). Cytogenetic location: 17q25.1.
Variant type: single nucleotide variant.
Coding change: c.1039T>C on transcript NM_199242.3 (MANE Select); coding-DNA position 1039, T replaced by C.
Protein change: p.Phe347Leu; replaces phenylalanine 347 with leucine.
Molecular consequence: missense variant.
Genome position (GRCh38, 1-based): chr17:75,839,855, A>G on the plus strand (T>C on the coding strand, the complement: UNC13D is on the minus strand). VCF-style: chr17-75839855-A-G. GRCh37 (hg19) VCF-style: chr17-73835936-A-G.
Other names: short protein forms F347L.
Identifiers: ClinVar variation 658017 (VCV000658017.8), dbSNP rs777550761, ClinGen allele CA8773161.

ClinVar aggregate classification (germline): Uncertain significance. Review status: criteria provided, multiple submitters, no conflicts (2 of 4 stars). 3 submissions from 3 submitters: Uncertain significance (3). Last evaluated 2024-11-27.

Conditions:
Familial hemophagocytic lymphohistiocytosis 3 (FHL3). Also called: UNC13D-Related Familial Hemophagocytic Lymphohistiocytosis (UNC13D-fHLH). Identifiers: Orphanet 540, MedGen C1837174, MONDO:0012146, OMIM 608898.

Allele frequency attached by ClinVar (database versions not stated): TOPMed 0.00001; ExAC 0.00002; gnomAD exomes 0.00002; gnomAD 0.00003 and 0.00004.
gnomAD v4.1: 174 of 1,613,700 alleles (0.011%); highest among the groups gnomAD compares: Middle Eastern, 0.38%; 1 homozygote.

Submissions (3):

Blueprint Genetics
Classification: Uncertain significance. Last evaluated: 2024-11-27. Review status: criteria provided, single submitter. Criteria: ACMG Guidelines, 2015. Collection method: clinical testing. Allele origin: germline.

Labcorp Genetics (formerly Invitae), Labcorp
Classification: Uncertain significance for Familial hemophagocytic lymphohistiocytosis 3. Last evaluated: 2024-10-21. Review status: criteria provided, single submitter. Criteria: Invitae Variant Classification Sherloc (09022015). Collection method: clinical testing. Allele origin: germline.
Comment: This sequence change replaces phenylalanine with leucine at codon 347 of the UNC13D protein (p.Phe347Leu). The phenylalanine residue is highly conserved and there is a small physicochemical difference between phenylalanine and leucine. This variant is present in population databases (rs777550761, gnomAD 0.004%). This variant has not been reported in the literature in individuals affected with UNC13D-related conditions. ClinVar contains an entry for this variant (Variation ID: 658017). Invitae Evidence Modeling of protein sequence and biophysical properties (such as structural, functional, and spatial information, amino acid conservation, physicochemical variation, residue mobility, and thermodynamic stability) indicates that this missense variant is not expected to disrupt UNC13D protein function with a negative predictive value of 80%. In summary, the available evidence is currently insufficient to determine the role of this variant in disease. Therefore, it has been classified as a Variant of Uncertain Significance.

Breakthrough Genomics
Classification: Uncertain significance. Review status: criteria provided, single submitter. Criteria: ACMG Guidelines, 2015. Collection method: not provided. Allele origin: germline. Inheritance: Autosomal recessive inheritance. Affected: yes.